The following is an entry in ClinVar:

NM_005267.5(GJA8):c.766G>A (p.Ala256Thr)

Gene: GJA8 (gap junction protein alpha 8; plus strand). Cytogenetic location: 1q21.2.
Variant type: single nucleotide variant.
Coding change: c.766G>A on transcript NM_005267.5 (MANE Select); coding-DNA position 766, G replaced by A.
Protein change: p.Ala256Thr; replaces alanine 256 with threonine.
Molecular consequence: missense variant.
Genome position (GRCh38, 1-based): chr1:147,908,721, G>A. VCF-style: chr1-147908721-G-A. GRCh37 (hg19) VCF-style: chr1-147380848-G-A.
Other names: short protein forms A256T.
Identifiers: ClinVar variation 2621949 (VCV002621949.4), dbSNP rs781935925, ClinGen allele CA1066005.
Genomic context (GRCh38, chr1:147,908,721, plus strand): 5'-TTGAAGAGGCCTGTAGAGCAGCCCCTGGGGGAGATTCCTGAGAAATCCCTCCACTCCATT[G>A]CTGTCTCCTCCATCCAGAAAGCCAAGGGCTATCAGCTCCTAGAAGAAGAGAAAATCGTTT-3'
Protein context (NP_005258.2, residues 246-266): EIPEKSLHSI[Ala256Thr]VSSIQKAKGY

ClinVar aggregate classification (germline): Uncertain significance. Review status: criteria provided, multiple submitters, no conflicts (2 of 4 stars). 2 submissions from 2 submitters: Uncertain significance (2). Last evaluated 2026-02-02.

Conditions:
GJA8-related disorder. Also called: GJA8-related condition.
Inborn genetic diseases. Identifiers: MedGen C0950123, MeSH D030342.

Allele frequency attached by ClinVar (database versions not stated): gnomAD 0.00001; TOPMed 0.00002.
gnomAD v4.1: 50 of 1,613,984 alleles (0.0031%); highest among the groups gnomAD compares: Non-Finnish European, 0.0042%; no homozygotes.

Submissions (2):

PreventionGenetics, part of Exact Sciences
Classification: Uncertain significance for GJA8-related condition. Last evaluated: 2026-02-02. Review status: criteria provided, single submitter. Criteria: ACMG Guidelines, 2015. Collection method: clinical testing. Allele origin: germline.
Comment: The GJA8 c.766G>A variant is predicted to result in the amino acid substitution p.Ala256Thr. To our knowledge, this variant has not been reported in the literature. This variant is present in 0.0018% of alleles in individuals of European (Non-Finnish) descent in gnomAD. At this time, the clinical significance of this variant is uncertain due to the absence of conclusive functional and genetic evidence.

Ambry Genetics
Classification: Uncertain significance for Inborn genetic diseases. Last evaluated: 2025-11-12. Review status: criteria provided, single submitter. Criteria: Ambry Variant Classification Scheme 2023. Collection method: clinical testing. Allele origin: germline.